The following is an entry in ClinVar:

NM_006343.3(MERTK):c.651_652delinsTG (p.Cys218Gly)

Gene: MERTK (MER proto-oncogene, tyrosine kinase; plus strand). Cytogenetic location: 2q13.
Variant type: Indel.
Coding change: c.651_652delinsTG on transcript NM_006343.3 (MANE Select); coding-DNA positions 651 to 652, CT replaced by TG.
Protein change: p.Cys218Gly; replaces cysteine 218 with glycine.
Molecular consequence: missense variant.
Genome position (GRCh38, 1-based): chr2:111,947,461-111,947,462, CT replaced by TG. VCF-style: chr2-111947461-CT-TG. GRCh37 (hg19) VCF-style: chr2-112705038-CT-TG.
Other names: short protein forms C218G.
Identifiers: ClinVar variation 2746270 (VCV002746270.3), dbSNP rs2466781194, ClinGen allele CA2697551015.

ClinVar aggregate classification (germline): Uncertain significance (1 of 4 stars; one submission).

Submission:

Labcorp Genetics (formerly Invitae), Labcorp
Classification: Uncertain significance. Last evaluated: 2023-07-25. Review status: criteria provided, single submitter. Criteria: Invitae Variant Classification Sherloc (09022015). Collection method: clinical testing. Allele origin: germline.
Comment: This sequence change replaces cysteine, which is neutral and slightly polar, with glycine, which is neutral and non-polar, at codon 218 of the MERTK protein (p.Cys218Gly). Information on the frequency of this variant in the gnomAD database is not available, as this variant may be reported differently in the database. This variant has not been reported in the literature in individuals affected with MERTK-related conditions. Experimental studies and prediction algorithms are not available or were not evaluated, and the functional significance of this variant is currently unknown. In summary, the available evidence is currently insufficient to determine the role of this variant in disease. Therefore, it has been classified as a Variant of Uncertain Significance.